The following is an entry in ClinVar:

ClinVar aggregate classification (germline): Benign. Review status: criteria provided, multiple submitters, no conflicts (2 of 4 stars). 4 submissions from 4 submitters: Benign (4). Last evaluated 2026-02-04.

Conditions:
Testosterone 17-beta-dehydrogenase deficiency. Also called: 17-beta hydroxysteroid dehydrogenase 3 deficiency; 17 alpha ketosteroid reductase deficiency of testis; 17 alpha KSR deficiency; Neutral 17 beta hydroxysteroid oxidoreductase deficiency; Male pseudoherma-phroditism with gynecomastia; 46,XY disorder of sex development due to 17-beta-hydroxysteroid dehydrogenase 3 deficiency. Identifiers: Orphanet 752, MedGen C0268296, MONDO:0009916, OMIM 264300. Disease mechanism: loss of function.

Allele frequency attached by ClinVar (database versions not stated): ESP Exome Variant Server 0.00538; gnomAD 0.00665 and 0.00902; TOPMed 0.00805; gnomAD exomes 0.01170 and 0.01775; ExAC 0.01902; 1000 Genomes Project 30x 0.02530; 1000 Genomes Project 0.02696.
gnomAD v4.1: 18,618 of 1,613,320 alleles (1.2%); highest among the groups gnomAD compares: South Asian, 6.4%; 384 homozygotes.

Submissions (4):

Labcorp Genetics (formerly Invitae), Labcorp
Classification: Benign. Last evaluated: 2026-02-04. Review status: criteria provided, single submitter. Criteria: Invitae Variant Classification Sherloc (09022015). Collection method: clinical testing. Allele origin: germline.

GeneDx
Classification: Benign. Last evaluated: 2018-09-04. Review status: criteria provided, single submitter. Criteria: GeneDx Variant Classification Process June 2021. Collection method: clinical testing. Allele origin: germline. Affected: yes.

Illumina Laboratory Services, Illumina
Classification: Benign for Testosterone 17-beta-dehydrogenase deficiency. Last evaluated: 2018-01-13. Review status: criteria provided, single submitter. Criteria: ICSL Variant Classification Criteria 13 December 2019. Collection method: clinical testing. Allele origin: germline.
Comment: This variant was observed in the ICSL laboratory as part of a predisposition screen in an ostensibly healthy population. It had not been previously curated by ICSL or reported in the Human Gene Mutation Database (HGMD: prior to June 1st, 2018), and was therefore a candidate for classification through an automated scoring system. Utilizing variant allele frequency, disease prevalence and penetrance estimates, and inheritance mode, an automated score was calculated to assess if this variant is too frequent to cause the disease. Based on the score and internal cut-off values, a variant classified as benign is not then subjected to further curation. The score for this variant resulted in a classification of benign for this disease.

Breakthrough Genomics
Classification: Benign. Review status: criteria provided, single submitter. Criteria: ACMG Guidelines, 2015. Collection method: not provided. Allele origin: germline. Inheritance: Autosomal recessive inheritance. Affected: yes.

NM_000197.2(HSD17B3):c.195G>A (p.Ser65=)

Genes: HSD17B3 (hydroxysteroid 17-beta dehydrogenase 3; minus strand), SLC35D2-HSD17B3 (SLC35D2-HSD17B3 readthrough; minus strand). Cytogenetic location: 9q22.32.
Variant type: single nucleotide variant.
Coding change: c.195G>A on transcript NM_000197.2 (MANE Select); coding-DNA position 195, G replaced by A.
Protein change: p.Ser65=; no amino-acid change (serine 65 retained).
Molecular consequence: synonymous variant.
Genome position (GRCh38, 1-based): chr9:96,298,422, C>T on the plus strand (G>A on the coding strand, the complement: HSD17B3 is on the minus strand). VCF-style: chr9-96298422-C-T. GRCh37 (hg19) VCF-style: chr9-99060704-C-T.
Identifiers: ClinVar variation 367683 (VCV000367683.16), dbSNP rs2066478, ClinGen allele CA5140511.